The following is an entry in ClinVar:

ClinVar aggregate classification (germline): Uncertain significance (1 of 4 stars; one submission).

Conditions:
Hereditary sensory and autonomic neuropathy type 6. Also called: HSAN VI; Neuropathy, hereditary sensory and autonomic, type VI. Identifiers: Orphanet 314381, MedGen C3539003, MONDO:0013839, OMIM 614653.
Epidermolysis bullosa simplex 3, localized or generalized intermediate, with BP230 deficiency (EBS3). Also called: Epidermolysis bullosa simplex, autosomal recessive 2; Epidermolysis bullosa simplex due to BP230 deficiency. Identifiers: Orphanet 412181, MedGen C3809470, MONDO:0014180, OMIM 615425.

gnomAD v4.1: 2 of 1,613,990 alleles (0.00012%); highest among the groups gnomAD compares: Non-Finnish European, 0.00017%; no homozygotes.

Submission:

Labcorp Genetics (formerly Invitae), Labcorp
Classification: Uncertain significance for Epidermolysis bullosa simplex 3, localized or generalized intermediate, with BP230 deficiency; Hereditary sensory and autonomic neuropathy type 6. Last evaluated: 2022-10-09. Review status: criteria provided, single submitter. Criteria: Invitae Variant Classification Sherloc (09022015). Collection method: clinical testing. Allele origin: germline.
Comment: The DST gene has multiple clinically relevant transcripts. This variant occurs in alternate transcript NM_015548.4, and corresponds to NM_001723.5:c.*128365G>C in the primary transcript. In summary, the available evidence is currently insufficient to determine the role of this variant in disease. Therefore, it has been classified as a Variant of Uncertain Significance. Experimental studies and prediction algorithms are not available or were not evaluated, and the functional significance of this variant is currently unknown. This variant has not been reported in the literature in individuals affected with DST-related conditions. This variant is not present in population databases (gnomAD no frequency). This sequence change replaces serine, which is neutral and polar, with threonine, which is neutral and polar, at codon 4377 of the DST protein (p.Ser4377Thr).

NM_001374736.1(DST):c.20999G>C (p.Ser7000Thr)

Gene: DST (dystonin; minus strand). Cytogenetic location: 6p12.1.
Variant type: single nucleotide variant.
Coding change: c.20999G>C on transcript NM_001374736.1 (MANE Select); coding-DNA position 20999, G replaced by C.
Protein change: p.Ser7000Thr; replaces serine 7000 with threonine.
Molecular consequence: missense variant.
Genome position (GRCh38, 1-based): chr6:56,487,152, C>G on the plus strand (G>C on the coding strand, the complement: DST is on the minus strand). VCF-style: chr6-56487152-C-G. GRCh37 (hg19) VCF-style: chr6-56351950-C-G.
Other names: c.14642G>C, p.Ser4881Thr (NM_001144769.5); c.14228G>C, p.Ser4743Thr (NM_001144770.2); c.20999G>C, p.Ser7000Thr (NM_001374722.1); c.20039G>C, p.Ser6680Thr (NM_001374729.1); c.13781G>C, p.Ser4594Thr (NM_001374730.1); c.21026G>C, p.Ser7009Thr (NM_001374734.1); c.14108G>C, p.Ser4703Thr (NM_001386100.1, NM_183380.4); c.13130G>C, p.Ser4377Thr (NM_015548.5); short protein forms S6680T, S4377T, S4703T, S4881T, S4743T, S7009T, S4594T, S7000T.
Identifiers: ClinVar variation 1906383 (VCV001906383.5), dbSNP rs764414111, ClinGen allele CA364512985.